The following is an entry in ClinVar:

NM_024105.4(ALG12):c.502G>T (p.Glu168Ter)

Gene: ALG12 (ALG12 alpha-1,6-mannosyltransferase; minus strand). Cytogenetic location: 22q13.33.
Variant type: single nucleotide variant.
Coding change: c.502G>T on transcript NM_024105.4 (MANE Select); coding-DNA position 502, G replaced by T.
Protein change: p.Glu168Ter; replaces glutamic acid 168 with a stop codon.
Molecular consequence: nonsense.
Genome position (GRCh38, 1-based): chr22:49,910,056, C>A on the plus strand (G>T on the coding strand, the complement: ALG12 is on the minus strand). VCF-style: chr22-49910056-C-A. GRCh37 (hg19) VCF-style: chr22-50303704-C-A.
Other names: short protein forms E168*.
Identifiers: ClinVar variation 1448154 (VCV001448154.6), dbSNP rs754565538, ClinGen allele CA412075681.

ClinVar aggregate classification (germline): Pathogenic (1 of 4 stars; one submission).

Conditions:
ALG12-congenital disorder of glycosylation (CDG1G). Also called: Congenital disorder of glycosylation, type Ig; CDG Ig; ALG12-CDG. Identifiers: Orphanet 79324, MedGen C2931001, MONDO:0011783, OMIM 607143.

Submission:

Labcorp Genetics (formerly Invitae), Labcorp
Classification: Pathogenic for ALG12-congenital disorder of glycosylation. Last evaluated: 2025-03-10. Review status: criteria provided, single submitter. Criteria: Invitae Variant Classification Sherloc (09022015). Collection method: clinical testing. Allele origin: germline.
Comment: This sequence change creates a premature translational stop signal (p.Glu168*) in the ALG12 gene. It is expected to result in an absent or disrupted protein product. Loss-of-function variants in ALG12 are known to be pathogenic (PMID: 15639192, 31481313). This variant is not present in population databases (gnomAD no frequency). This variant has not been reported in the literature in individuals affected with ALG12-related conditions. ClinVar contains an entry for this variant (Variation ID: 1448154). For these reasons, this variant has been classified as Pathogenic.

Literature cited by the submitters: PubMed 15639192; PubMed 31481313.